The following is an entry in ClinVar:

ClinVar aggregate classification (germline): Pathogenic. Review status: criteria provided, multiple submitters, no conflicts (2 of 4 stars). 3 submissions from 3 submitters: Pathogenic (3). Last evaluated 2025-11-22.

Conditions:
Hereditary nonpolyposis colorectal neoplasms. Identifiers: MedGen C0009405, MeSH D003123.
Hereditary cancer-predisposing syndrome. Also called: Neoplastic Syndromes, Hereditary; Tumor predisposition; Hereditary neoplastic syndrome; Hereditary Cancer Syndrome. Identifiers: Orphanet 140162, MedGen C0027672, MeSH D009386, MONDO:0015356.
Lynch syndrome 5 (LYNCH5). Also called: Colorectal cancer, hereditary nonpolyposis, type 5; Hereditary non-polyposis colorectal cancer, type 5. Identifiers: Orphanet 144, MedGen C1833477, MONDO:0013710, OMIM 614350. Disease mechanism: loss of function.

Submissions (3):

Labcorp Genetics (formerly Invitae), Labcorp
Classification: Pathogenic for Hereditary nonpolyposis colorectal neoplasms. Last evaluated: 2025-11-22. Review status: criteria provided, single submitter. Criteria: Invitae Variant Classification Sherloc (09022015). Collection method: clinical testing. Allele origin: germline.
Comment: This sequence change creates a premature translational stop signal (p.Glu1281Glyfs*8) in the MSH6 gene. It is expected to result in an absent or disrupted protein product. Loss-of-function variants in MSH6 are known to be pathogenic (PMID: 18269114, 24362816). This variant is not present in population databases (gnomAD no frequency). This variant has not been reported in the literature in individuals affected with MSH6-related conditions. ClinVar contains an entry for this variant (Variation ID: 824281). For these reasons, this variant has been classified as Pathogenic.

Myriad Genetics, Inc.
Classification: Pathogenic for Lynch syndrome 5. Last evaluated: 2023-08-25. Review status: criteria provided, single submitter. Criteria: Myriad Autosomal Dominant, Autosomal Recessive and X-Linked Classification Criteria (2023). Collection method: clinical testing. Allele origin: unknown.
Comment: This variant is considered pathogenic. This variant creates a frameshift predicted to result in premature protein truncation.

Ambry Genetics
Classification: Pathogenic for Hereditary cancer-predisposing syndrome. Last evaluated: 2018-09-18. Review status: criteria provided, single submitter. Criteria: Ambry Variant Classification Scheme 2023. Collection method: clinical testing. Allele origin: germline.
Comment: The c.3839dupA pathogenic mutation, located in coding exon 9 of the MSH6 gene, results from a duplication of A at nucleotide position 3839, causing a translational frameshift with a predicted alternate stop codon (p.E1281Gfs*8). This alteration is expected to result in loss of function by premature protein truncation or nonsense-mediated mRNA decay. As such, this alteration is interpreted as a disease-causing mutation.

Literature cited by the submitters: PubMed 18269114 (cited by Labcorp Genetics (formerly Invitae), Labcorp); PubMed 24362816 (cited by Labcorp Genetics (formerly Invitae), Labcorp).

NM_000179.3(MSH6):c.3839dup (p.Glu1281fs)

Gene: MSH6 (mutS homolog 6; plus strand). Cytogenetic location: 2p16.3.
Variant type: Duplication.
Coding change: c.3839dup on transcript NM_000179.3 (MANE Select); coding-DNA position 3839, one base duplicated (A; older notation c.3839dupA).
Protein change: p.Glu1281fs; shifts the reading frame from glutamic acid 1281.
Molecular consequence: frameshift variant.
Genome position (GRCh38, 1-based): chr2:47,806,489, A duplicated. VCF-style (leftmost placement, unchanged base first): chr2-47806488-C-CA. GRCh37 (hg19) VCF-style: chr2-48033627-C-CA.
Other names: c.3449dup, p.Glu1151fs (NM_001281492.2); c.2933dup, p.Glu979fs (NM_001281493.2, NM_001281494.2); short protein forms E1281fs, E1151fs, E979fs.
Identifiers: ClinVar variation 824281 (VCV000824281.11), dbSNP rs1572746488, ClinGen allele CA915943979.